The following is an entry in ClinVar:

NM_006361.6(HOXB13):c.601+10T>C

Gene: HOXB13 (homeobox B13; minus strand). Cytogenetic location: 17q21.32.
Variant type: single nucleotide variant.
Coding change: c.601+10T>C on transcript NM_006361.6 (MANE Select); 10 bases into the intron after coding-DNA position 601, T replaced by C.
Molecular consequence: intron variant.
Genome position (GRCh38, 1-based): chr17:48,727,983, A>G on the plus strand (T>C on the coding strand, the complement: HOXB13 is on the minus strand). VCF-style: chr17-48727983-A-G. GRCh37 (hg19) VCF-style: chr17-46805345-A-G.
Identifiers: ClinVar variation 1148416 (VCV001148416.11), dbSNP rs764889581, ClinGen allele CA8633959.

ClinVar aggregate classification (germline): Likely benign. Review status: criteria provided, multiple submitters, no conflicts (2 of 4 stars). 2 submissions from 2 submitters: Likely benign (2). Last evaluated 2025-07-01.

Conditions:
Prostate cancer, hereditary, 9 (HPC9). Identifiers: Orphanet 1331, MedGen C1970250, MONDO:0012597, OMIM 610997.

Allele frequency attached by ClinVar (database versions not stated): gnomAD exomes 0.00001 and 0.00002; ExAC 0.00002.
gnomAD v4.1: 15 of 1,612,314 alleles (0.00093%); highest among the groups gnomAD compares: South Asian, 0.015%; no homozygotes.

Submissions (2):

Labcorp Genetics (formerly Invitae), Labcorp
Classification: Likely benign. Last evaluated: 2025-07-01. Review status: criteria provided, single submitter. Criteria: Invitae Variant Classification Sherloc (09022015). Collection method: clinical testing. Allele origin: germline.

Myriad Genetics, Inc.
Classification: Likely benign for Prostate cancer, hereditary, 9. Last evaluated: 2024-10-30. Review status: criteria provided, single submitter. Criteria: Myriad Autosomal Dominant, Autosomal Recessive and X-Linked Classification Criteria (2023). Collection method: clinical testing. Allele origin: unknown.
Comment: This variant is considered likely benign. This variant is intronic and is not expected to impact mRNA splicing.